The following is an entry in ClinVar:

ClinVar aggregate classification (germline): Uncertain significance (1 of 4 stars; one submission).

Submission:

GeneDx
Classification: Uncertain significance. Last evaluated: 2024-01-05. Review status: criteria provided, single submitter. Criteria: GeneDx Variant Classification Process June 2021. Collection method: clinical testing. Allele origin: germline. Affected: yes.
Comment: Not observed at significant frequency in large population cohorts (gnomAD); In silico analysis supports that this missense variant does not alter protein structure/function; Has not been previously published as pathogenic or benign to our knowledge

NM_002249.6(KCNN3):c.1885G>A (p.Val629Met)

Gene: KCNN3 (potassium calcium-activated channel subfamily N member 3; minus strand). Cytogenetic location: 1q21.3.
Variant type: single nucleotide variant.
Coding change: c.1885G>A on transcript NM_002249.6 (MANE Select); coding-DNA position 1885, G replaced by A.
Protein change: p.Val629Met; replaces valine 629 with methionine.
Molecular consequence: missense variant.
Genome position (GRCh38, 1-based): chr1:154,713,478, C>T on the plus strand (G>A on the coding strand, the complement: KCNN3 is on the minus strand). VCF-style: chr1-154713478-C-T. GRCh37 (hg19) VCF-style: chr1-154685954-C-T.
Other names: c.1930G>A, p.Val644Met (NM_001204087.2); c.991G>A, p.Val331Met (NM_001365837.1); c.946G>A, p.Val316Met (NM_001365838.1); c.970G>A, p.Val324Met (NM_170782.3); short protein forms V316M, V324M, V331M, V629M, V644M.
Identifiers: ClinVar variation 3367470 (VCV003367470.1).